The following is an entry in ClinVar:

ClinVar aggregate classification (germline): Conflicting classifications of pathogenicity. Review status: criteria provided, conflicting classifications (1 of 4 stars). 3 submissions from 3 submitters: Uncertain significance (2); Likely benign (1). Last evaluated 2024-12-23.

Conditions:
Hereditary cancer-predisposing syndrome. Also called: Hereditary neoplastic syndrome; Neoplastic Syndromes, Hereditary; Tumor predisposition; Hereditary Cancer Syndrome. Identifiers: Orphanet 140162, MedGen C0027672, MeSH D009386, MONDO:0015356.

gnomAD v4.1: 12 of 1,614,206 alleles (0.00074%); highest among the groups gnomAD compares: Non-Finnish European, 0.001%; no homozygotes.

Submissions (3):

Ambry Genetics
Classification: Likely benign for Hereditary cancer-predisposing syndrome. Last evaluated: 2024-12-23. Review status: criteria provided, single submitter. Criteria: Ambry Variant Classification Scheme 2023. Collection method: clinical testing. Allele origin: germline.

GeneDx
Classification: Uncertain significance. Last evaluated: 2024-03-03. Review status: criteria provided, single submitter. Criteria: GeneDx Variant Classification Process June 2021. Collection method: clinical testing. Allele origin: germline. Affected: yes.
Comment: Not observed at significant frequency in large population cohorts (gnomAD); In silico analysis supports that this missense variant does not alter protein structure/function; Has not been previously published as pathogenic or benign to our knowledge

Labcorp Genetics (formerly Invitae), Labcorp
Classification: Uncertain significance. Last evaluated: 2023-09-19. Review status: criteria provided, single submitter. Criteria: Invitae Variant Classification Sherloc (09022015). Collection method: clinical testing. Allele origin: germline.
Comment: In summary, the available evidence is currently insufficient to determine the role of this variant in disease. Therefore, it has been classified as a Variant of Uncertain Significance. Advanced modeling of protein sequence and biophysical properties (such as structural, functional, and spatial information, amino acid conservation, physicochemical variation, residue mobility, and thermodynamic stability) performed at Invitae indicates that this missense variant is not expected to disrupt HOXB13 protein function. ClinVar contains an entry for this variant (Variation ID: 1510045). This variant has not been reported in the literature in individuals affected with HOXB13-related conditions. This variant is present in population databases (no rsID available, gnomAD 0.0009%). This sequence change replaces threonine, which is neutral and polar, with lysine, which is basic and polar, at codon 115 of the HOXB13 protein (p.Thr115Lys).

NM_006361.6(HOXB13):c.344C>A (p.Thr115Lys)

Gene: HOXB13 (homeobox B13; minus strand). Cytogenetic location: 17q21.32.
Variant type: single nucleotide variant.
Coding change: c.344C>A on transcript NM_006361.6 (MANE Select); coding-DNA position 344, C replaced by A.
Protein change: p.Thr115Lys; replaces threonine 115 with lysine.
Molecular consequence: missense variant.
Genome position (GRCh38, 1-based): chr17:48,728,250, G>T on the plus strand (C>A on the coding strand, the complement: HOXB13 is on the minus strand). VCF-style: chr17-48728250-G-T. GRCh37 (hg19) VCF-style: chr17-46805612-G-T.
Other names: c.344C>A (NM_006361.5); short protein forms T115K.
Identifiers: ClinVar variation 1510045 (VCV001510045.10), dbSNP rs764401781, ClinGen allele CA400107655.